The following is an entry in ClinVar:

ClinVar aggregate classification (germline): Benign/Likely benign. Review status: criteria provided, multiple submitters, no conflicts (2 of 4 stars). 9 submissions from 9 submitters: Benign (3); Likely benign (4). 2 of the submissions do not count toward it. Last evaluated 2026-05-01.

Conditions:
Inborn genetic diseases. Identifiers: MedGen C0950123, MeSH D030342.
Pitt-Hopkins syndrome (PTHS). Also called: ENCEPHALOPATHY, SEVERE EPILEPTIC, WITH AUTONOMIC DYSFUNCTION; MENTAL RETARDATION, SYNDROMAL, WITH INTERMITTENT HYPERVENTILATION. Identifiers: Orphanet 2896, MedGen C1970431, MONDO:0012589, OMIM 610954.

Allele frequency attached by ClinVar (database versions not stated): gnomAD 0.00032 and 0.00034; ExAC 0.00034; TOPMed 0.00036; gnomAD exomes 0.00039 and 0.00071; ESP Exome Variant Server 0.00046.
gnomAD v4.1: 1,084 of 1,613,864 alleles (0.067%); highest among the groups gnomAD compares: Non-Finnish European, 0.086%; no homozygotes.

Submissions (9):

CeGaT Center for Human Genetics Tuebingen
Classification: Likely benign. Last evaluated: 2026-05-01. Review status: criteria provided, single submitter. Criteria: CeGaT Center For Human Genetics Tuebingen Variant Classification Criteria Version 2. Collection method: clinical testing. Allele origin: germline. Affected: yes. Observed: 5 variant alleles.
Comment: TCF4: BP4, BP7

Labcorp Genetics (formerly Invitae), Labcorp
Classification: Likely benign for Pitt-Hopkins syndrome. Last evaluated: 2026-01-21. Review status: criteria provided, single submitter. Criteria: Invitae Variant Classification Sherloc (09022015). Collection method: clinical testing. Allele origin: germline.

Blueprint Genetics
Classification: Likely benign. Last evaluated: 2024-09-10. Review status: criteria provided, single submitter. Criteria: ACMG Guidelines, 2015. Collection method: clinical testing. Allele origin: germline.

Ambry Genetics
Classification: Likely benign for Inborn genetic diseases. Last evaluated: 2018-01-19. Review status: criteria provided, single submitter. Criteria: Ambry Variant Classification Scheme 2023. Collection method: clinical testing. Allele origin: germline.

Illumina Laboratory Services, Illumina
Classification: Benign for Pitt-Hopkins syndrome. Last evaluated: 2018-01-12. Review status: criteria provided, single submitter. Criteria: ICSL Variant Classification Criteria 13 December 2019. Collection method: clinical testing. Allele origin: germline.
Comment: This variant was observed in the ICSL laboratory as part of a predisposition screen in an ostensibly healthy population. It had not been previously curated by ICSL or reported in the Human Gene Mutation Database (HGMD: prior to June 1st, 2018), and was therefore a candidate for classification through an automated scoring system. Utilizing variant allele frequency, disease prevalence and penetrance estimates, and inheritance mode, an automated score was calculated to assess if this variant is too frequent to cause the disease. Based on the score and internal cut-off values, a variant classified as benign is not then subjected to further curation. The score for this variant resulted in a classification of benign for this disease.

Athena Diagnostics
Classification: Benign. Last evaluated: 2017-03-30. Review status: criteria provided, single submitter. Criteria: Athena Diagnostics Criteria. Collection method: clinical testing. Allele origin: germline.

GeneDx
Classification: Benign. Last evaluated: 2012-07-16. Review status: criteria provided, single submitter. Criteria: GeneDx Variant Classification (06012015). Collection method: clinical testing. Allele origin: germline. Affected: yes.
Comment: This variant is considered likely benign or benign based on one or more of the following criteria: it is a conservative change, it occurs at a poorly conserved position in the protein, it is predicted to be benign by multiple in silico algorithms, and/or has population frequency not consistent with disease.

Clinical Genetics DNA and cytogenetics Diagnostics Lab, Erasmus MC, Erasmus Medical Center
Classification: Likely benign. Review status: no assertion criteria provided. Collection method: clinical testing. Allele origin: germline. Affected: yes. Study: VKGL Data-share Consensus. Not counted in ClinVar's aggregate classification.

Genome Diagnostics Laboratory, University Medical Center Utrecht
Classification: Likely benign. Review status: no assertion criteria provided. Collection method: clinical testing. Allele origin: germline. Affected: yes. Study: VKGL Data-share Consensus. Not counted in ClinVar's aggregate classification.

NM_001083962.2(TCF4):c.966T>C (p.Asp322=)

Gene: TCF4 (transcription factor 4; minus strand). Cytogenetic location: 18q21.2.
Variant type: single nucleotide variant.
Coding change: c.966T>C on transcript NM_001083962.2 (MANE Select); coding-DNA position 966, T replaced by C.
Protein change: p.Asp322=; no amino-acid change (aspartic acid 322 retained).
Molecular consequence: synonymous variant.
Genome position (GRCh38, 1-based): chr18:55,261,490, A>G on the plus strand (T>C on the coding strand, the complement: TCF4 is on the minus strand). VCF-style: chr18-55261490-A-G. GRCh37 (hg19) VCF-style: chr18-52928721-A-G.
Other names: p.D322D:GAT>GAC; c.1272T>C, p.Asp424= (NM_001243226.3); c.894T>C, p.Asp298= (NM_001243227.2, NM_001306207.1, NM_001348217.1 and 9 more transcripts); c.984T>C, p.Asp328= (NM_001243228.2); c.960T>C, p.Asp320= (NM_001243230.2); c.840T>C, p.Asp280= (NM_001243231.2, NM_001348211.2); c.753T>C, p.Asp251= (NM_001243232.1, NM_001306208.1); c.576T>C, p.Asp192= (NM_001243233.2, NM_001330605.3, NM_001348212.2 and 1 more transcripts); and 5 more.
Identifiers: ClinVar variation 139406 (VCV000139406.58), dbSNP rs142998298, ClinGen allele CA293882.
Genomic context (GRCh38, chr18:55,261,490, plus strand): 5'-TGGTACATATGGAGTCCAAAGTCAATATTTCCTCACCGAAGCAAGTGCTTTCCCCAGAGC[A>G]TCTCCAGTCTGGGAGCTGCCGGCTGCCCCGCTTCCTCTATTTGCTGCAAAAACAAAAGGC-3'
Protein context (NP_001077431.1, residues 312-332): SGAAGSSQTG[Asp322=]ALGKALASIY